The following is an entry in ClinVar:

ClinVar aggregate classification (germline): Uncertain significance (1 of 4 stars; one submission).

Allele frequency attached by ClinVar (database versions not stated): gnomAD exomes below 0.00001; ExAC 0.00001.
gnomAD v4.1: 1 of 1,614,076 alleles (0.000062%); highest among the groups gnomAD compares: Non-Finnish European, 0.000085%; no homozygotes.

Submission:

Labcorp Genetics (formerly Invitae), Labcorp
Classification: Uncertain significance. Last evaluated: 2023-09-25. Review status: criteria provided, single submitter. Criteria: Invitae Variant Classification Sherloc (09022015). Collection method: clinical testing. Allele origin: germline.
Comment: In summary, the available evidence is currently insufficient to determine the role of this variant in disease. Therefore, it has been classified as a Variant of Uncertain Significance. Advanced modeling of protein sequence and biophysical properties (such as structural, functional, and spatial information, amino acid conservation, physicochemical variation, residue mobility, and thermodynamic stability) has been performed at Invitae for this missense variant, however the output from this modeling did not meet the statistical confidence thresholds required to predict the impact of this variant on LRP2 protein function. ClinVar contains an entry for this variant (Variation ID: 1365232). This variant has not been reported in the literature in individuals affected with LRP2-related conditions. This variant is present in population databases (rs764712860, gnomAD 0.0009%). This sequence change replaces methionine, which is neutral and non-polar, with threonine, which is neutral and polar, at codon 2026 of the LRP2 protein (p.Met2026Thr).

NM_004525.3(LRP2):c.6077T>C (p.Met2026Thr)

Gene: LRP2 (LDL receptor related protein 2; minus strand). Cytogenetic location: 2q31.1.
Variant type: single nucleotide variant.
Coding change: c.6077T>C on transcript NM_004525.3 (MANE Select); coding-DNA position 6077, T replaced by C.
Protein change: p.Met2026Thr; replaces methionine 2026 with threonine.
Molecular consequence: missense variant.
Genome position (GRCh38, 1-based): chr2:169,212,171, A>G on the plus strand (T>C on the coding strand, the complement: LRP2 is on the minus strand). VCF-style: chr2-169212171-A-G. GRCh37 (hg19) VCF-style: chr2-170068681-A-G.
Other names: short protein forms M2026T.
Identifiers: ClinVar variation 1365232 (VCV001365232.8), dbSNP rs764712860, ClinGen allele CA1954360.
Genomic context (GRCh38, chr2:169,212,171, plus strand): 5'-GCACAGGCGCAGGAAAACAATCCTCCTGGTACAGGCAGGCAAATCTGCTGACAGGCATTC[A>G]TGTTGTTGCTACAGCCATTTGAGGATTCGGCGGCATCTAAATGAAAACAAAATCCATTTG-3'
Protein context (NP_004516.2, residues 2016-2036): AESSNGCSNN[Met2026Thr]NACQQICLPV